The following is an entry in ClinVar:

ClinVar aggregate classification (germline): Uncertain significance (1 of 4 stars; one submission).

Conditions:
Glanzmann thrombasthenia. Also called: PLATELET GLYCOPROTEIN IIb-IIIa DEFICIENCY; BLEEDING DISORDER, PLATELET-TYPE, 2; THROMBASTHENIA OF GLANZMANN AND NAEGELI; Glanzmann's thrombasthenia; Thrombasthenia. Identifiers: Orphanet 849, MedGen C0040015, MONDO:0100326.

gnomAD v4.1: 2 of 1,548,786 alleles (0.00013%); highest among the groups gnomAD compares: Non-Finnish European, 0.00017%; no homozygotes.

Submission:

Labcorp Genetics (formerly Invitae), Labcorp
Classification: Uncertain significance for Glanzmann thrombasthenia. Last evaluated: 2025-05-25. Review status: criteria provided, single submitter. Criteria: Invitae Variant Classification Sherloc (09022015). Collection method: clinical testing. Allele origin: germline.
Comment: This sequence change replaces aspartic acid, which is acidic and polar, with glutamic acid, which is acidic and polar, at codon 922 of the ITGA2B protein (p.Asp922Glu). The frequency data for this variant in the population databases is considered unreliable, as metrics indicate poor data quality at this position in the gnomAD database. This variant has not been reported in the literature in individuals affected with ITGA2B-related conditions. Invitae Evidence Modeling of protein sequence and biophysical properties (such as structural, functional, and spatial information, amino acid conservation, physicochemical variation, residue mobility, and thermodynamic stability) indicates that this missense variant is not expected to disrupt ITGA2B protein function with a negative predictive value of 95%. In summary, the available evidence is currently insufficient to determine the role of this variant in disease. Therefore, it has been classified as a Variant of Uncertain Significance.

NM_000419.5(ITGA2B):c.2766C>A (p.Asp922Glu)

Gene: ITGA2B (integrin subunit alpha 2b; minus strand). Cytogenetic location: 17q21.31.
Variant type: single nucleotide variant.
Coding change: c.2766C>A on transcript NM_000419.5 (MANE Select); coding-DNA position 2766, C replaced by A.
Protein change: p.Asp922Glu; replaces aspartic acid 922 with glutamic acid.
Molecular consequence: missense variant.
Genome position (GRCh38, 1-based): chr17:44,375,073, G>T on the plus strand (C>A on the coding strand, the complement: ITGA2B is on the minus strand). VCF-style: chr17-44375073-G-T. GRCh37 (hg19) VCF-style: chr17-42452441-G-T.
Other names: short protein forms D922E.
Identifiers: ClinVar variation 4755052 (VCV004755052.1).